The following is an entry in ClinVar:

NM_020843.4(SCAPER):c.1959T>G (p.Asn653Lys)

Gene: SCAPER (S-phase cyclin A associated protein in the ER; minus strand). Cytogenetic location: 15q24.3.
Variant type: single nucleotide variant.
Coding change: c.1959T>G on transcript NM_020843.4 (MANE Select); coding-DNA position 1959, T replaced by G.
Protein change: p.Asn653Lys; replaces asparagine 653 with lysine.
Molecular consequence: missense variant. On other transcripts: non-coding transcript variant (1).
Genome position (GRCh38, 1-based): chr15:76,733,292, A>C on the plus strand (T>G on the coding strand, the complement: SCAPER is on the minus strand). VCF-style: chr15-76733292-A-C. GRCh37 (hg19) VCF-style: chr15-77025633-A-C.
Other names: c.1221T>G, p.Asn407Lys (NM_001145923.2); c.1977T>G, p.Asn659Lys (NM_001353009.2); c.1557T>G, p.Asn519Lys (NM_001353010.2, NM_001353012.2); c.1575T>G, p.Asn525Lys (NM_001353011.2); short protein forms N407K, N653K, N519K, N525K, N659K.
Identifiers: ClinVar variation 4990278 (VCV004990278.1).

ClinVar aggregate classification (germline): Uncertain significance (1 of 4 stars; one submission).

Conditions:
SCAPER-related disorder. Also called: SCAPER-related condition.

gnomAD v4.1: 2 of 1,610,690 alleles (0.00012%); highest among the groups gnomAD compares: African/African-American, 0.0027%; no homozygotes.

Submission:

PreventionGenetics, part of Exact Sciences
Classification: Uncertain significance for SCAPER-related condition. Last evaluated: 2026-04-16. Review status: criteria provided, single submitter. Criteria: ACMG Guidelines, 2015. Collection method: clinical testing. Allele origin: germline.
Comment: The SCAPER c.1977T>G variant is predicted to result in the amino acid substitution p.Asn659Lys. To our knowledge, this variant has not been reported in the literature. This variant is reported in 0.020% of alleles in individuals of African descent in gnomAD. At this time, the clinical significance of this variant is uncertain due to the absence of conclusive functional and genetic evidence.